The following is an entry in ClinVar:

NM_017636.4(TRPM4):c.254G>A (p.Arg85His)

Gene: TRPM4 (transient receptor potential cation channel subfamily M member 4; plus strand). Cytogenetic location: 19q13.33.
Variant type: single nucleotide variant.
Coding change: c.254G>A on transcript NM_017636.4 (MANE Select); coding-DNA position 254, G replaced by A.
Protein change: p.Arg85His; replaces arginine 85 with histidine.
Molecular consequence: missense variant. On other transcripts: 5 prime UTR variant (1), intron variant (2).
Genome position (GRCh38, 1-based): chr19:49,166,202, G>A. VCF-style: chr19-49166202-G-A. GRCh37 (hg19) VCF-style: chr19-49669459-G-A.
Other names: c.254G>A (NM_017636.3); c.254G>A, p.Arg85His (NM_001195227.2, NM_001321281.2); c.-1119G>A (NM_001321282.2); c.-74-2058G>A (NM_001321283.2); c.-237-2351G>A (NM_001321285.2); short protein forms R85H.
Identifiers: ClinVar variation 2157078 (VCV002157078.5), dbSNP rs771687834, ClinGen allele CA406789668.
Genomic context (GRCh38, chr19:49,166,202, plus strand): 5'-CACACACCACGGAGAAGCCCACCGATGCCTACGGAGAGCTGGACTTCACGGGGGCCGGCC[G>A]CAAGCACAGCAATGTGAGGCGGGCCTCTGTGGGCGGGGCCCGGGCACCAGGGGGCTGCAT-3'
Protein context (NP_060106.2, residues 75-95): YGELDFTGAG[Arg85His]KHSNFLRLSD

ClinVar aggregate classification (germline): Uncertain significance. Review status: criteria provided, multiple submitters, no conflicts (2 of 4 stars). 2 submissions from 2 submitters: Uncertain significance (2). Last evaluated 2026-02-25.

Conditions:
Progressive familial heart block type IB (PFHB1B). Identifiers: Orphanet 871, MedGen C1970298, MONDO:0011474, OMIM 604559.

gnomAD v4.1: 5 of 1,604,054 alleles (0.00031%); highest among the groups gnomAD compares: South Asian, 0.0045%; no homozygotes.

Submissions (2):

GeneDx
Classification: Uncertain significance. Last evaluated: 2026-02-25. Review status: criteria provided, single submitter. Criteria: GeneDx Variant Classification Process June 2021. Collection method: clinical testing. Allele origin: germline.
Comment: Not observed at significant frequency in large population cohorts (gnomAD); In silico analysis supports that this missense variant has a deleterious effect on protein structure/function; Has not been previously published as pathogenic or benign to our knowledge

Labcorp Genetics (formerly Invitae), Labcorp
Classification: Uncertain significance for Progressive familial heart block type IB. Last evaluated: 2025-03-09. Review status: criteria provided, single submitter. Criteria: Invitae Variant Classification Sherloc (09022015). Collection method: clinical testing. Allele origin: germline.
Comment: This sequence change replaces arginine, which is basic and polar, with histidine, which is basic and polar, at codon 85 of the TRPM4 protein (p.Arg85His). The frequency data for this variant in the population databases is considered unreliable, as metrics indicate poor data quality at this position in the gnomAD database. This variant has not been reported in the literature in individuals affected with TRPM4-related conditions. ClinVar contains an entry for this variant (Variation ID: 2157078). An algorithm developed to predict the effect of missense changes on protein structure and function (PolyPhen-2) suggests that this variant is likely to be tolerated. In summary, the available evidence is currently insufficient to determine the role of this variant in disease. Therefore, it has been classified as a Variant of Uncertain Significance.